The following is an entry in ClinVar:

ClinVar aggregate classification (germline): Likely benign (1 of 4 stars; one submission).

gnomAD v4.1: 3,996 of 1,613,744 alleles (0.25%); highest among the groups gnomAD compares: South Asian, 0.75%; 13 homozygotes.

Submission:

CeGaT Center for Human Genetics Tuebingen
Classification: Likely benign. Last evaluated: 2024-10-01. Review status: criteria provided, single submitter. Criteria: CeGaT Center For Human Genetics Tuebingen Variant Classification Criteria Version 2. Collection method: clinical testing. Allele origin: germline. Affected: yes. Observed: 1 variant allele.
Comment: PKHD1L1: BP4, BS2

NM_177531.6(PKHD1L1):c.2105A>C (p.Gln702Pro)

Gene: PKHD1L1 (PKHD1 like 1; plus strand). Cytogenetic location: 8q23.1.
Variant type: single nucleotide variant.
Coding change: c.2105A>C on transcript NM_177531.6 (MANE Select); coding-DNA position 2105, A replaced by C.
Protein change: p.Gln702Pro; replaces glutamine 702 with proline.
Molecular consequence: missense variant.
Genome position (GRCh38, 1-based): chr8:109,412,284, A>C. VCF-style: chr8-109412284-A-C. GRCh37 (hg19) VCF-style: chr8-110424513-A-C.
Other names: short protein forms Q702P.
Identifiers: ClinVar variation 3387932 (VCV003387932.14).